The following is an entry in ClinVar:

ClinVar aggregate classification (germline): Uncertain significance. Review status: criteria provided, multiple submitters, no conflicts (2 of 4 stars). 5 submissions from 5 submitters: Uncertain significance (5). Last evaluated 2025-11-05.

Conditions:
ATM-related disorder. Also called: ATM-related disorders; ATM-related condition.
Hereditary cancer-predisposing syndrome. Also called: Tumor predisposition; Hereditary Cancer Syndrome; Neoplastic Syndromes, Hereditary; Hereditary neoplastic syndrome. Identifiers: Orphanet 140162, MedGen C0027672, MeSH D009386, MONDO:0015356.
Ataxia-telangiectasia syndrome (AT). Also called: Cerebello-oculocutaneous telangiectasia; Immunodeficiency with ataxia telangiectasia; Ataxia-telangiectasia, complementation group D; AT, COMPLEMENTATION GROUP C; Ataxia-telangiectasia, complementation group E; LOUIS-BAR SYNDROME. Identifiers: Orphanet 100, MedGen C0004135, MONDO:0008840, OMIM 208900.

Allele frequency attached by ClinVar (database versions not stated): TOPMed below 0.00001; gnomAD 0.00006.

Submissions (5):

Labcorp Genetics (formerly Invitae), Labcorp
Classification: Uncertain significance for Ataxia-telangiectasia syndrome. Last evaluated: 2025-11-05. Review status: criteria provided, single submitter. Criteria: Invitae Variant Classification Sherloc (09022015). Collection method: clinical testing. Allele origin: germline.
Comment: This sequence change replaces threonine, which is neutral and polar, with alanine, which is neutral and non-polar, at codon 1864 of the ATM protein (p.Thr1864Ala). This variant is present in population databases (no rsID available, gnomAD 0.02%). This variant has not been reported in the literature in individuals affected with ATM-related conditions. ClinVar contains an entry for this variant (Variation ID: 453587). Invitae Evidence Modeling of protein sequence and biophysical properties (such as structural, functional, and spatial information, amino acid conservation, physicochemical variation, residue mobility, and thermodynamic stability) indicates that this missense variant is not expected to disrupt ATM protein function with a negative predictive value of 95%. In summary, the available evidence is currently insufficient to determine the role of this variant in disease. Therefore, it has been classified as a Variant of Uncertain Significance.

Ambry Genetics
Classification: Uncertain significance for Hereditary cancer-predisposing syndrome. Last evaluated: 2025-05-05. Review status: criteria provided, single submitter. Criteria: Ambry Variant Classification Scheme 2023. Collection method: clinical testing. Allele origin: germline.
Comment: The p.T1864A variant (also known as c.5590A>G), located in coding exon 36 of the ATM gene, results from an A to G substitution at nucleotide position 5590. The threonine at codon 1864 is replaced by alanine, an amino acid with similar properties. This amino acid position is not well conserved in available vertebrate species. In addition, this alteration is predicted to be tolerated by in silico analysis. Since supporting evidence is limited at this time, the clinical significance of this alteration remains unclear.

Color Diagnostics, LLC DBA Color Health
Classification: Uncertain significance for Hereditary cancer-predisposing syndrome. Last evaluated: 2024-03-06. Review status: criteria provided, single submitter. Criteria: ACMG Guidelines, 2015. Collection method: clinical testing. Allele origin: germline.
Comment: This missense variant replaces threonine with alanine at codon 1864 of the ATM protein. Computational prediction suggests that this variant may not impact protein structure and function (internally defined REVEL score threshold <= 0.5, PMID: 27666373). To our knowledge, functional studies have not been reported for this variant. This variant has not been reported in individuals affected with hereditary cancer in the literature. This variant has been identified in 2/31392 chromosomes in the general population by the Genome Aggregation Database (gnomAD). The available evidence is insufficient to determine the role of this variant in disease conclusively. Therefore, this variant is classified as a Variant of Uncertain Significance.

PreventionGenetics, part of Exact Sciences
Classification: Uncertain significance for ATM-related condition. Last evaluated: 2023-09-12. Review status: criteria provided, single submitter. Criteria: ACMG Guidelines, 2015. Collection method: clinical testing. Allele origin: germline.
Comment: The ATM c.5590A>G variant is predicted to result in the amino acid substitution p.Thr1864Ala. To our knowledge, this variant has not been reported in the literature. This variant is reported in 0.023% of alleles in individuals of African descent in gnomAD and is interpreted as uncertain significance in ClinVar. At this time, the clinical significance of this variant is uncertain due to the absence of conclusive functional and genetic evidence.

GeneDx
Classification: Uncertain significance. Last evaluated: 2019-12-19. Review status: criteria provided, single submitter. Criteria: GeneDx Variant Classification Process June 2021. Collection method: clinical testing. Allele origin: germline. Affected: yes.
Comment: Has not been previously published as pathogenic or benign to our knowledge; In silico analysis, which includes protein predictors and evolutionary conservation, supports that this variant does not alter protein structure/function

NM_000051.4(ATM):c.5590A>G (p.Thr1864Ala)

Gene: ATM (ATM serine/threonine kinase; plus strand). Cytogenetic location: 11q22.3.
Variant type: single nucleotide variant.
Coding change: c.5590A>G on transcript NM_000051.4 (MANE Select); coding-DNA position 5590, A replaced by G.
Protein change: p.Thr1864Ala; replaces threonine 1864 with alanine.
Molecular consequence: missense variant.
Genome position (GRCh38, 1-based): chr11:108,304,768, A>G. VCF-style: chr11-108304768-A-G. GRCh37 (hg19) VCF-style: chr11-108175495-A-G.
Other names: c.5590A>G, p.Thr1864Ala (NM_001351834.2); short protein forms T1864A.
Identifiers: ClinVar variation 453587 (VCV000453587.20), dbSNP rs1240167425, ClinGen allele CA382546178.